The following is an entry in ClinVar:

NM_001457.4(FLNB):c.6763C>A (p.Gln2255Lys)

Gene: FLNB (filamin B; plus strand). Cytogenetic location: 3p14.3.
Variant type: single nucleotide variant.
Coding change: c.6763C>A on transcript NM_001457.4 (MANE Select); coding-DNA position 6763, C replaced by A.
Protein change: p.Gln2255Lys; replaces glutamine 2255 with lysine.
Molecular consequence: missense variant.
Genome position (GRCh38, 1-based): chr3:58,154,919, C>A. VCF-style: chr3-58154919-C-A. GRCh37 (hg19) VCF-style: chr3-58140646-C-A.
Other names: c.6856C>A, p.Gln2286Lys (NM_001164317.2); c.6730C>A, p.Gln2244Lys (NM_001164318.2); c.6691C>A, p.Gln2231Lys (NM_001164319.2); short protein forms Q2244K, Q2255K, Q2286K, Q2231K.
Identifiers: ClinVar variation 4693414 (VCV004693414.1).

ClinVar aggregate classification (germline): Uncertain significance (1 of 4 stars; one submission).

gnomAD v4.1: 1 of 1,613,842 alleles (0.000062%); highest among the groups gnomAD compares: Non-Finnish European, 0.000085%; no homozygotes.

Submission:

Labcorp Genetics (formerly Invitae), Labcorp
Classification: Uncertain significance. Last evaluated: 2025-07-30. Review status: criteria provided, single submitter. Criteria: Invitae Variant Classification Sherloc (09022015). Collection method: clinical testing. Allele origin: germline.
Comment: This sequence change replaces glutamine, which is neutral and polar, with lysine, which is basic and polar, at codon 2255 of the FLNB protein (p.Gln2255Lys). This variant is present in population databases (no rsID available, gnomAD 0.007%). This variant has not been reported in the literature in individuals affected with FLNB-related conditions. Invitae Evidence Modeling of protein sequence and biophysical properties (such as structural, functional, and spatial information, amino acid conservation, physicochemical variation, residue mobility, and thermodynamic stability) indicates that this missense variant is not expected to disrupt FLNB protein function with a negative predictive value of 95%. In summary, the available evidence is currently insufficient to determine the role of this variant in disease. Therefore, it has been classified as a Variant of Uncertain Significance.